The following is an entry in ClinVar:

ClinVar aggregate classification (germline): Uncertain significance (1 of 4 stars; one submission).

gnomAD v4.1: 1 of 1,611,940 alleles (0.000062%); no homozygotes.

Submission:

Labcorp Genetics (formerly Invitae), Labcorp
Classification: Uncertain significance. Last evaluated: 2020-01-07. Review status: criteria provided, single submitter. Criteria: Invitae Variant Classification Sherloc (09022015). Collection method: clinical testing. Allele origin: germline.
Comment: In summary, the available evidence is currently insufficient to determine the role of this variant in disease. Therefore, it has been classified as a Variant of Uncertain Significance. Nucleotide substitutions within the consensus splice site are a relatively common cause of aberrant splicing (PMID: 17576681, 9536098). Algorithms developed to predict the effect of sequence changes on RNA splicing suggest that this variant may disrupt the consensus splice site, but this prediction has not been confirmed by published transcriptional studies. Algorithms developed to predict the effect of missense changes on protein structure and function are either unavailable or do not agree on the potential impact of this missense change (SIFT: "Not Available"; PolyPhen-2: "Probably Damaging"; Align-GVGD: "Not Available"). This variant has not been reported in the literature in individuals with CDH3-related conditions. This variant is not present in population databases (ExAC no frequency). This sequence change replaces glycine with cysteine at codon 599 of the CDH3 protein (p.Gly599Cys). The glycine residue is moderately conserved and there is a large physicochemical difference between glycine and cysteine. This variant also falls at the last nucleotide of exon 12 of the CDH3 coding sequence, which is part of the consensus splice site for this exon.

Literature cited by the submitters: PubMed 17576681; PubMed 9536098.

NM_001793.6(CDH3):c.1795G>T (p.Gly599Cys)

Gene: CDH3 (cadherin 3; plus strand). Cytogenetic location: 16q22.1.
Variant type: single nucleotide variant.
Coding change: c.1795G>T on transcript NM_001793.6 (MANE Select); coding-DNA position 1795, G replaced by T.
Protein change: p.Gly599Cys; replaces glycine 599 with cysteine.
Molecular consequence: missense variant.
Genome position (GRCh38, 1-based): chr16:68,687,736, G>T. VCF-style: chr16-68687736-G-T. GRCh37 (hg19) VCF-style: chr16-68721639-G-T.
Other names: c.1795G>T, p.Gly599Cys (NM_001317195.3); c.1630G>T, p.Gly544Cys (NM_001317196.2); short protein forms G544C, G599C.
Identifiers: ClinVar variation 1039358 (VCV001039358.7), dbSNP rs1961456638, ClinGen allele CA396455043.